The following is an entry in ClinVar:

ClinVar aggregate classification (germline): Uncertain significance (1 of 4 stars; one submission).

Conditions:
Dilated cardiomyopathy 1AA (CMD1AA). Also called: Cardiomyopathy, dilated, 1AA, with or without LVNC; CARDIOMYOPATHY, DILATED, 1AA, WITH OR WITHOUT LEFT VENTRICULAR NONCOMPACTION; CARDIOMYOPATHY, FAMILIAL HYPERTROPHIC, 23, WITH OR WITHOUT LEFT VENTRICULAR NONCOMPACTION. Identifiers: Orphanet 154, MedGen C2677338, MONDO:0012808, OMIM 612158.
Primary familial hypertrophic cardiomyopathy (HCM). Identifiers: Orphanet 99739, MedGen C0949658, MeSH D024741, MONDO:0024573. Inheritance: Various modes of inheritance.

gnomAD v4.1: 8 of 1,613,962 alleles (0.0005%); highest among the groups gnomAD compares: Admixed American, 0.0017%; no homozygotes.

Submission:

Labcorp Genetics (formerly Invitae), Labcorp
Classification: Uncertain significance for Primary familial hypertrophic cardiomyopathy; Dilated cardiomyopathy 1AA. Last evaluated: 2022-03-17. Review status: criteria provided, single submitter. Criteria: Invitae Variant Classification Sherloc (09022015). Collection method: clinical testing. Allele origin: germline.
Comment: This sequence change falls in intron 17 of the ACTN2 gene. It does not directly change the encoded amino acid sequence of the ACTN2 protein. The frequency data for this variant in the population databases is considered unreliable, as metrics indicate poor data quality at this position in the gnomAD database. This variant has not been reported in the literature in individuals affected with ACTN2-related conditions. Algorithms developed to predict the effect of sequence changes on RNA splicing suggest that this variant may create or strengthen a splice site. In summary, the available evidence is currently insufficient to determine the role of this variant in disease. Therefore, it has been classified as a Variant of Uncertain Significance.

NM_001103.4(ACTN2):c.2154+19C>T

Gene: ACTN2 (actinin alpha 2; plus strand). Cytogenetic location: 1q43.
Variant type: single nucleotide variant.
Coding change: c.2154+19C>T on transcript NM_001103.4 (MANE Select); 19 bases into the intron after coding-DNA position 2154, C replaced by T.
Molecular consequence: intron variant.
Genome position (GRCh38, 1-based): chr1:236,755,217, C>T. VCF-style: chr1-236755217-C-T. GRCh37 (hg19) VCF-style: chr1-236918517-C-T.
Other names: c.1530+19C>T (NM_001278344.2); c.2154+19C>T (NM_001278343.2).
Identifiers: ClinVar variation 2075382 (VCV002075382.4), dbSNP rs1484623448, ClinGen allele CA529912383.